The following is an entry in ClinVar:

ClinVar aggregate classification (germline): Pathogenic (1 of 4 stars; one submission).

Conditions:
X-linked agammaglobulinemia with growth hormone deficiency (IGHD3). Also called: Isolated growth hormone deficiency type 3; Growth hormone deficiency with hypogammaglobulinemia; AGAMMAGLOBULINEMIA AND ISOLATED GROWTH HORMONE DEFICIENCY, X-LINKED; FLEISHER SYNDROME; HYPOGAMMAGLOBULINEMIA AND ISOLATED GROWTH HORMONE DEFICIENCY, X-LINKED; IGHD III. Identifiers: Orphanet 231692, Orphanet 631, MedGen C0472813, MONDO:0010615, OMIM 307200.

Submission:

Labcorp Genetics (formerly Invitae), Labcorp
Classification: Pathogenic for X-linked agammaglobulinemia with growth hormone deficiency. Last evaluated: 2024-09-12. Review status: criteria provided, single submitter. Criteria: Invitae Variant Classification Sherloc (09022015). Collection method: clinical testing. Allele origin: germline.
Comment: This sequence change affects an acceptor splice site in intron 14 of the BTK gene. It is expected to disrupt RNA splicing. Variants that disrupt the donor or acceptor splice site typically lead to a loss of protein function (PMID: 16199547), and loss-of-function variants in BTK are known to be pathogenic (PMID: 15661032, 16862044, 19419768). This variant is not present in population databases (gnomAD no frequency). Disruption of this splice site has been observed in individuals with X-linked agammaglobulinemia (PMID: 15024743, 16712653). Algorithms developed to predict the effect of sequence changes on RNA splicing suggest that this variant may disrupt the consensus splice site. For these reasons, this variant has been classified as Pathogenic.

Literature cited by the submitters: PubMed 16199547; PubMed 15661032; PubMed 16862044; PubMed 19419768; PubMed 15024743; PubMed 16712653.

NM_000061.3(BTK):c.1350-2A>G

Gene: BTK (Bruton tyrosine kinase; minus strand). Cytogenetic location: Xq22.1.
Variant type: single nucleotide variant.
Coding change: c.1350-2A>G on transcript NM_000061.3 (MANE Select); the canonical splice acceptor site of the intron before coding-DNA position 1350, A replaced by G.
Molecular consequence: splice acceptor variant. On other transcripts: intron variant (1).
Genome position (GRCh38, 1-based): chrX:101,356,270, T>C on the plus strand (A>G on the coding strand, the complement: BTK is on the minus strand). VCF-style: chrX-101356270-T-C. GRCh37 (hg19) VCF-style: chrX-100611258-T-C.
Other names: c.1039-1576A>G (NM_001287345.2); c.1452-2A>G (NM_001287344.2).
Identifiers: ClinVar variation 3724304 (VCV003724304.2).